The following is an entry in ClinVar:

NM_001035.3(RYR2):c.7051A>T (p.Ile2351Phe)

Gene: RYR2 (ryanodine receptor 2; plus strand). Cytogenetic location: 1q43.
Variant type: single nucleotide variant.
Coding change: c.7051A>T on transcript NM_001035.3 (MANE Select); coding-DNA position 7051, A replaced by T.
Protein change: p.Ile2351Phe; replaces isoleucine 2351 with phenylalanine.
Molecular consequence: missense variant.
Genome position (GRCh38, 1-based): chr1:237,639,137, A>T. VCF-style: chr1-237639137-A-T. GRCh37 (hg19) VCF-style: chr1-237802437-A-T.
Other names: short protein forms I2351F.
Identifiers: ClinVar variation 3070590 (VCV003070590.1), dbSNP rs2546964766, ClinGen allele CA345395984.

ClinVar aggregate classification (germline): Uncertain significance (1 of 4 stars; one submission).

Conditions:
Catecholaminergic polymorphic ventricular tachycardia (CVPT). Also called: Catecholamine-induced polymorphic ventricular tachycardia. Identifiers: Orphanet 3286, MedGen C5574922, MONDO:0017990.

Submission:

All of Us Research Program, National Institutes of Health
Classification: Uncertain significance for Catecholaminergic polymorphic ventricular tachycardia. Last evaluated: 2023-04-27. Review status: criteria provided, single submitter. Criteria: ACMG Guidelines, 2015. Collection method: clinical testing. Allele origin: germline. Inheritance: Autosomal dominant inheritance. Observed: 1 variant allele, 1 heterozygote.
Comment: This study involves interpretation of variants in research participants for the purpose of population health screening. Participant phenotype was not available at the time of variant classification. Additional details can be found in publication PMID: 35346344, PMCID: PMC8962531